The following is an entry in ClinVar:

ClinVar aggregate classification (germline): Benign/Likely benign. Review status: criteria provided, multiple submitters, no conflicts (2 of 4 stars). 3 submissions from 3 submitters: Benign (2); Likely benign (1). Last evaluated 2025-06-12.

Conditions:
BCOR-related disorder. Also called: BCOR-related condition; BCOR-related disorders.
Oculofaciocardiodental syndrome (MCOPS2). Identifiers: Orphanet 2712, MedGen C1846265, MONDO:0010261, OMIM 300166.

Allele frequency attached by ClinVar (database versions not stated): gnomAD 0.00008; TOPMed 0.00010; gnomAD exomes 0.00019; ExAC 0.00020; 1000 Genomes Project 30x 0.00021; 1000 Genomes Project 0.00026.
gnomAD v4.1: 53 of 1,208,968 alleles (0.0044%); highest among the groups gnomAD compares: East Asian, 0.065%; no homozygotes.

Submissions (3):

Labcorp Genetics (formerly Invitae), Labcorp
Classification: Benign for Oculofaciocardiodental syndrome. Last evaluated: 2025-06-12. Review status: criteria provided, single submitter. Criteria: Invitae Variant Classification Sherloc (09022015). Collection method: clinical testing. Allele origin: germline.

PreventionGenetics, part of Exact Sciences
Classification: Likely benign for BCOR-related condition. Last evaluated: 2025-02-13. Review status: criteria provided, single submitter. Criteria: ACMG Guidelines, 2015. Collection method: clinical testing. Allele origin: germline.
Comment: This variant is classified as likely benign based on ACMG/AMP sequence variant interpretation guidelines (Richards et al. 2015 PMID: 25741868, with internal and published modifications).

GeneDx
Classification: Benign. Last evaluated: 2021-05-24. Review status: criteria provided, single submitter. Criteria: GeneDx Variant Classification Process June 2021. Collection method: clinical testing. Allele origin: germline. Affected: yes.

NM_001123385.2(BCOR):c.5193C>T (p.Asn1731=)

Gene: BCOR (BCL6 corepressor; minus strand). Cytogenetic location: Xp11.4.
Variant type: single nucleotide variant.
Coding change: c.5193C>T on transcript NM_001123385.2 (MANE Select); coding-DNA position 5193, C replaced by T.
Protein change: p.Asn1731=; no amino-acid change (asparagine 1731 retained).
Molecular consequence: synonymous variant.
Genome position (GRCh38, 1-based): chrX:40,052,184, G>A on the plus strand (C>T on the coding strand, the complement: BCOR is on the minus strand). VCF-style: chrX-40052184-G-A. GRCh37 (hg19) VCF-style: chrX-39911437-G-A.
Other names: c.5091C>T, p.Asn1697= (NM_001123383.2, NM_017745.6); c.5037C>T, p.Asn1679= (NM_001123384.2).
Identifiers: ClinVar variation 699760 (VCV000699760.11), dbSNP rs766578072, ClinGen allele CA10386289.